The following is an entry in ClinVar:

GRCh38/hg38 5q35.3(chr5:178529878-181269805)x3

Genes: ADAMTS2 (ADAM metallopeptidase with thrombospondin type 1 motif 2; minus strand), BTNL3 (butyrophilin like 3; plus strand), BTNL8 (butyrophilin like 8; plus strand), BTNL9 (butyrophilin like 9; plus strand), CANX (calnexin; plus strand) and 201 more. Cytogenetic location: 5q35.3.
Variant type: copy number gain.
Change: copy number 3 (three copies instead of two) of chr5:178,529,878-181,269,805 (2.74 Mb, GRCh38 coordinates, 1-based), cytogenetic band 5q35.3.
Identifiers: ClinVar variation 57495 (VCV000057495.1).

ClinVar aggregate classification (germline): Uncertain significance (1 of 4 stars; one submission).

Submission:

ISCA site 4
Classification: Uncertain significance. Last evaluated: 2011-08-12. Review status: criteria provided, single submitter. Criteria: Kaminsky et al. (Genet Med. 2011). Collection method: clinical testing. Allele origin: maternal. Affected: yes. Observed: 1 variant allele.
Comment: Copy number variation identified through the course of routine clinical cytogenomic testing in postnatal populations. Clinical assertions have been curated as described in Kaminsky et al. 2011.